The following is an entry in ClinVar:

NM_000018.4(ACADVL):c.1541G>A (p.Gly514Glu)

Gene: ACADVL (acyl-CoA dehydrogenase very long chain; plus strand). Cytogenetic location: 17p13.1.
Variant type: single nucleotide variant.
Coding change: c.1541G>A on transcript NM_000018.4 (MANE Select); coding-DNA position 1541, G replaced by A.
Protein change: p.Gly514Glu; replaces glycine 514 with glutamic acid.
Molecular consequence: missense variant.
Genome position (GRCh38, 1-based): chr17:7,224,329, G>A. VCF-style: chr17-7224329-G-A. GRCh37 (hg19) VCF-style: chr17-7127648-G-A.
Other names: c.1475G>A, p.Gly492Glu (NM_001033859.3); c.1610G>A, p.Gly537Glu (NM_001270447.2); c.1313G>A, p.Gly438Glu (NM_001270448.2); short protein forms G438E, G492E, G514E, G537E.
Identifiers: ClinVar variation 3366422 (VCV003366422.5).

ClinVar aggregate classification (germline): Pathogenic/Likely pathogenic. Review status: criteria provided, multiple submitters, no conflicts (2 of 4 stars). 2 submissions from 2 submitters: Pathogenic (1); Likely pathogenic (1). Last evaluated 2025-10-15.

Conditions:
Very long chain acyl-CoA dehydrogenase deficiency (ACADVLD). Also called: Very Long-Chain Acyl-Coenzyme A Dehydrogenase Deficiency; VLCAD Deficiency. Identifiers: Orphanet 26793, MedGen C3887523, MONDO:0008723, OMIM 201475.

Submissions (2):

Women's Health and Genetics/Laboratory Corporation of America, LabCorp
Classification: Likely pathogenic for Very long chain acyl-CoA dehydrogenase deficiency. Last evaluated: 2025-10-15. Review status: criteria provided, single submitter. Criteria: LabCorp Variant Classification Summary - May 2015. Collection method: clinical testing. Allele origin: germline.
Comment: Variant summary: ACADVL c.1541G>A (p.Gly514Glu) results in a non-conservative amino acid change in the encoded protein sequence. Algorithms developed to predict the effect of missense changes on protein structure and function all suggest that this variant is likely to be disruptive. This variant has been found at a frequency of 6.2e-07 in 1613882 control chromosomes (gnomAD v4). c.1541G>A has been reported in the literature in a compound heterozygous individual affected with clinical features of Very Long Chain Acyl-CoA Dehydrogenase Deficiency (Hesse_2018, Schiff_2013). These data indicate that the variant may be associated with disease. At least one publication reports experimental evidence evaluating an impact on protein function and this variant affects ACADVL protein function in vitro and in patient cells (Schiff_2013). The following publications have been ascertained in the context of this evaluation (PMID: 30194637, 23480858). ClinVar contains an entry for this variant (Variation ID: 3366422). Based on the evidence outlined above, the variant was classified as likely pathogenic.

Labcorp Genetics (formerly Invitae), Labcorp
Classification: Pathogenic for Very long chain acyl-CoA dehydrogenase deficiency. Last evaluated: 2024-12-09. Review status: criteria provided, single submitter. Criteria: Invitae Variant Classification Sherloc (09022015). Collection method: clinical testing. Allele origin: germline.
Comment: This sequence change replaces glycine, which is neutral and non-polar, with glutamic acid, which is acidic and polar, at codon 514 of the ACADVL protein (p.Gly514Glu). This variant is not present in population databases (gnomAD no frequency). This missense change has been observed in individual(s) with clinical features of ACADVL-related conditions (PMID: 23480858, 30194637). Invitae Evidence Modeling of protein sequence and biophysical properties (such as structural, functional, and spatial information, amino acid conservation, physicochemical variation, residue mobility, and thermodynamic stability) indicates that this missense variant is expected to disrupt ACADVL protein function with a positive predictive value of 95%. Experimental studies have shown that this missense change affects ACADVL function (PMID: 23480858). For these reasons, this variant has been classified as Pathogenic.

Literature cited by the submitters: PubMed 23480858 (cited by Women's Health and Genetics/Laboratory Corporation of America, LabCorp and Labcorp Genetics (formerly Invitae), Labcorp); PubMed 30194637 (cited by Women's Health and Genetics/Laboratory Corporation of America, LabCorp and Labcorp Genetics (formerly Invitae), Labcorp).